The following is an entry in ClinVar:

ClinVar aggregate classification (germline): Uncertain significance. Review status: criteria provided, multiple submitters, no conflicts (2 of 4 stars). 2 submissions from 2 submitters: Uncertain significance (2). Last evaluated 2025-11-10.

Conditions:
Inborn genetic diseases. Identifiers: MedGen C0950123, MeSH D030342.

Submissions (2):

Labcorp Genetics (formerly Invitae), Labcorp
Classification: Uncertain significance. Last evaluated: 2025-11-10. Review status: criteria provided, single submitter. Criteria: Invitae Variant Classification Sherloc (09022015). Collection method: clinical testing. Allele origin: germline.
Comment: This sequence change replaces proline, which is neutral and non-polar, with alanine, which is neutral and non-polar, at codon 351 of the HEPACAM protein (p.Pro351Ala). This variant is not present in population databases (gnomAD no frequency). This variant has not been reported in the literature in individuals affected with HEPACAM-related conditions. ClinVar contains an entry for this variant (Variation ID: 2242360). Invitae Evidence Modeling of protein sequence and biophysical properties (such as structural, functional, and spatial information, amino acid conservation, physicochemical variation, residue mobility, and thermodynamic stability) indicates that this missense variant is not expected to disrupt HEPACAM protein function with a negative predictive value of 95%. In summary, the available evidence is currently insufficient to determine the role of this variant in disease. Therefore, it has been classified as a Variant of Uncertain Significance.

Ambry Genetics
Classification: Uncertain significance for Inborn genetic diseases. Last evaluated: 2021-08-10. Review status: criteria provided, single submitter. Criteria: Ambry Variant Classification Scheme 2023. Collection method: clinical testing. Allele origin: germline.

NM_152722.5(HEPACAM):c.1051C>G (p.Pro351Ala)

Gene: HEPACAM (hepatic and glial cell adhesion molecule; minus strand). Cytogenetic location: 11q24.2.
Variant type: single nucleotide variant.
Coding change: c.1051C>G on transcript NM_152722.5 (MANE Select); coding-DNA position 1051, C replaced by G.
Protein change: p.Pro351Ala; replaces proline 351 with alanine.
Molecular consequence: missense variant.
Genome position (GRCh38, 1-based): chr11:124,921,338, G>C on the plus strand (C>G on the coding strand, the complement: HEPACAM is on the minus strand). VCF-style: chr11-124921338-G-C. GRCh37 (hg19) VCF-style: chr11-124791234-G-C.
Other names: c.1207C>G, p.Pro403Ala (NM_001411043.1); short protein forms P403A, P351A.
Identifiers: ClinVar variation 2242360 (VCV002242360.5), dbSNP rs979729595, ClinGen allele CA383137764.